The following is an entry in ClinVar:

ClinVar aggregate classification (germline): Uncertain significance. Review status: criteria provided, multiple submitters, no conflicts (2 of 4 stars). 3 submissions from 3 submitters: Uncertain significance (3). Last evaluated 2021-11-07.

Conditions:
Lysinuric protein intolerance (LPI). Identifiers: Orphanet 470, MedGen C0268647, MONDO:0009109, OMIM 222700.

Submissions (3):

Genome-Nilou Lab
Classification: Uncertain significance for Lysinuric protein intolerance. Last evaluated: 2021-11-07. Review status: criteria provided, single submitter. Criteria: ACMG Guidelines, 2015. Collection method: clinical testing. Allele origin: germline. Affected: no.

Labcorp Genetics (formerly Invitae), Labcorp
Classification: Uncertain significance for Lysinuric protein intolerance. Last evaluated: 2021-08-31. Review status: criteria provided, single submitter. Criteria: Invitae Variant Classification Sherloc (09022015). Collection method: clinical testing. Allele origin: germline.
Comment: This sequence change replaces leucine with phenylalanine at codon 63 of the SLC7A7 protein (p.Leu63Phe). The leucine residue is highly conserved and there is a small physicochemical difference between leucine and phenylalanine. This variant is not present in population databases (ExAC no frequency). This variant has not been reported in the literature in individuals affected with SLC7A7-related conditions. Algorithms developed to predict the effect of missense changes on protein structure and function are either unavailable or do not agree on the potential impact of this missense change (SIFT: "Deleterious"; PolyPhen-2: "Probably Damaging"; Align-GVGD: "Class C0"). In summary, the available evidence is currently insufficient to determine the role of this variant in disease. Therefore, it has been classified as a Variant of Uncertain Significance.

Baylor Genetics
Classification: Uncertain significance for Lysinuric protein intolerance. Last evaluated: 2018-11-17. Review status: criteria provided, single submitter. Criteria: ACMG Guidelines, 2015. Collection method: clinical testing. Allele origin: paternal. Affected: yes.
Comment: This variant was determined to be of uncertain significance according to ACMG Guidelines, 2015 [PMID:25741868].

NM_003982.4(SLC7A7):c.187C>T (p.Leu63Phe)

Gene: SLC7A7 (solute carrier family 7 member 7; minus strand). Cytogenetic location: 14q11.2.
Variant type: single nucleotide variant.
Coding change: c.187C>T on transcript NM_003982.4 (MANE Select); coding-DNA position 187, C replaced by T.
Protein change: p.Leu63Phe; replaces leucine 63 with phenylalanine.
Molecular consequence: missense variant.
Genome position (GRCh38, 1-based): chr14:22,813,212, G>A on the plus strand (C>T on the coding strand, the complement: SLC7A7 is on the minus strand). VCF-style: chr14-22813212-G-A. GRCh37 (hg19) VCF-style: chr14-23282421-G-A.
Other names: c.187C>T, p.Leu63Phe (NM_001126105.3, NM_001126106.4); short protein forms L63F.
Identifiers: ClinVar variation 963259 (VCV000963259.9), dbSNP rs2039348270, ClinGen allele CA388922693.